The following is an entry in ClinVar:

NM_005228.5(EGFR):c.2293G>A (p.Val765Met)

Genes: EGFR (epidermal growth factor receptor; plus strand), EGFR-AS1 (EGFR antisense RNA 1; minus strand). Cytogenetic location: 7p11.2.
Variant type: single nucleotide variant.
Coding change: c.2293G>A on transcript NM_005228.5 (MANE Select); coding-DNA position 2293, G replaced by A.
Protein change: p.Val765Met; replaces valine 765 with methionine.
Molecular consequence: missense variant. On other transcripts: non-coding transcript variant (1).
Genome position (GRCh38, 1-based): chr7:55,181,302, G>A. VCF-style: chr7-55181302-G-A. GRCh37 (hg19) VCF-style: chr7-55248995-G-A.
Other names: c.2158G>A, p.Val720Met (NM_001346897.2, NM_001346899.2); c.2293G>A, p.Val765Met (NM_001346898.2); c.2134G>A, p.Val712Met (NM_001346900.2); c.1492G>A, p.Val498Met (NM_001346941.2); c.2293G>A (NM_005228.4); short protein forms V498M, V712M, V720M, V765M.
Identifiers: ClinVar variation 941634 (VCV000941634.13), dbSNP rs374873413, ClinGen allele CA4266048.

ClinVar aggregate classification (germline): Conflicting classifications of pathogenicity. Review status: criteria provided, conflicting classifications (1 of 4 stars). 5 submissions from 5 submitters: Uncertain significance (4); Likely benign (1). Last evaluated 2025-11-07.

Conditions:
Lung cancer. Also called: Lung cancer, somatic; Malignant tumor of lung. Identifiers: MedGen C0242379, MONDO:0008903, OMIM 211980.
Hereditary cancer-predisposing syndrome. Also called: Hereditary neoplastic syndrome; Hereditary Cancer Syndrome; Neoplastic Syndromes, Hereditary; Tumor predisposition. Identifiers: Orphanet 140162, MedGen C0027672, MeSH D009386, MONDO:0015356.
EGFR-related lung cancer (EGFR). Identifiers: MedGen CN130014.

Allele frequency attached by ClinVar (database versions not stated): TOPMed 0.00002.
gnomAD v4.1: 30 of 1,614,036 alleles (0.0019%); highest among the groups gnomAD compares: Middle Eastern, 0.016%; no homozygotes.

Submissions (5):

Quest Diagnostics Nichols Institute San Juan Capistrano
Classification: Uncertain significance. Last evaluated: 2025-11-07. Review status: criteria provided, single submitter. Criteria: Quest Diagnostics criteria. Collection method: clinical testing. Allele origin: unknown.
Comment: The EGFR c.2293G>A (p.Val765Met) variant has been reported in the published literature in the germline state in an individual with lung cancer (PMID: 34869019 (2021)), and in the somatic state in lung cancer (PMIDs: 31175009 (2019), 19060236 (2008)) and renal cell carcinoma (PMID: 31175917 (2019)). The frequency of this variant in the general population (Genome Aggregation Database) is higher than would generally be expected for pathogenic variants in this gene. Analysis of this variant using bioinformatics tools for the prediction of the effect of amino acid changes on protein structure and function yielded predictions that this variant is damaging. Based on the available information, we are unable to determine the clinical significance of this variant.

Labcorp Genetics (formerly Invitae), Labcorp
Classification: Uncertain significance for EGFR-related lung cancer. Last evaluated: 2025-01-14. Review status: criteria provided, single submitter. Criteria: Invitae Variant Classification Sherloc (09022015). Collection method: clinical testing. Allele origin: germline.
Comment: This sequence change replaces valine, which is neutral and non-polar, with methionine, which is neutral and non-polar, at codon 765 of the EGFR protein (p.Val765Met). This variant is present in population databases (rs374873413, gnomAD 0.01%). This missense change has been observed in individual(s) with lung cancer (PMID: 34869019). ClinVar contains an entry for this variant (Variation ID: 941634). Invitae Evidence Modeling of protein sequence and biophysical properties (such as structural, functional, and spatial information, amino acid conservation, physicochemical variation, residue mobility, and thermodynamic stability) indicates that this missense variant is not expected to disrupt EGFR protein function with a negative predictive value of 80%. In summary, the available evidence is currently insufficient to determine the role of this variant in disease. Therefore, it has been classified as a Variant of Uncertain Significance.

Ambry Genetics
Classification: Uncertain significance for Hereditary cancer-predisposing syndrome. Last evaluated: 2024-12-30. Review status: criteria provided, single submitter. Criteria: Ambry Variant Classification Scheme 2023. Collection method: clinical testing. Allele origin: germline.
Comment: The p.V765M variant (also known as c.2293G>A), located in coding exon 20 of the EGFR gene, results from a G to A substitution at nucleotide position 2293. The valine at codon 765 is replaced by methionine, an amino acid with highly similar properties. This variant was reported in at least one individual with with lung cancer (Lin X et al. Front Oncol, 2021 Nov;11:774156). This amino acid position is highly conserved in available vertebrate species. In addition, the in silico prediction for this alteration is inconclusive. Based on the available evidence, the clinical significance of this variant remains unclear.

Myriad Genetics, Inc.
Classification: Likely benign for Lung cancer. Last evaluated: 2024-10-16. Review status: criteria provided, single submitter. Criteria: Myriad Autosomal Dominant, Autosomal Recessive and X-Linked Classification Criteria (2023). Collection method: clinical testing. Allele origin: unknown.
Comment: This variant is considered likely benign. This variant has been observed at a population frequency that is significantly greater than expected given the associated disease prevalence and penetrance.

Blueprint Genetics
Classification: Uncertain significance. Last evaluated: 2022-12-08. Review status: criteria provided, single submitter. Criteria: ACMG Guidelines, 2015. Collection method: clinical testing. Allele origin: germline.

Literature cited by the submitters: PubMed 19060236 (cited by Quest Diagnostics Nichols Institute San Juan Capistrano); PubMed 31175917 (cited by Quest Diagnostics Nichols Institute San Juan Capistrano); PubMed 31175009 (cited by Quest Diagnostics Nichols Institute San Juan Capistrano); PubMed 34869019 (cited by 3 submitters).